The following is an entry in ClinVar:

ClinVar aggregate classification (germline): Uncertain significance (1 of 4 stars; one submission).

Submission:

Women's Health and Genetics/Laboratory Corporation of America, LabCorp
Classification: Uncertain significance. Last evaluated: 2026-01-07. Review status: criteria provided, single submitter. Criteria: LabCorp Variant Classification Summary - May 2015. Collection method: clinical testing. Allele origin: germline.
Comment: Variant summary: The variant involves the duplication of exons 1-4 in the PNPT1 gene. A presumed nomenclature of c.(?_-22)_(403+1_404-1)dup has been designated for the purposes of this classification. The exact breakpoint at the 5' end of this variant is unknown, therefore this duplication may extend upstream of the annotated region of this gene. It is predicted to duplicate a segment including the initiation codon, therefore its impact on the encoded protein is unknown. The variant was absent in 21680 control chromosomes. The available data on variant occurrences in the general population are insufficient to allow any conclusion about variant significance. To our knowledge, no occurrence of c.(?_-22)_(403+1_404-1)dup in individuals affected with PNPT1-related conditions and no experimental evidence demonstrating its impact on protein function have been reported. ClinVar contains an entry for this variant (Variation ID: 253822). Based on the evidence outlined above, the variant was classified as uncertain significance.

NC_000002.11:g.(55910970_55912077)_(55920980_?)dup

Gene: PNPT1 (polyribonucleotide nucleotidyltransferase 1; minus strand). Cytogenetic location: 2p16.1.
Variant type: Duplication.
Identifiers: ClinVar variation 4689556 (VCV004689556.1).